The following is an entry in ClinVar:

NM_020461.4(TUBGCP6):c.324dup (p.Ser109fs)

Gene: TUBGCP6 (tubulin gamma complex component 6; minus strand). Cytogenetic location: 22q13.33.
Variant type: Duplication.
Coding change: c.324dup on transcript NM_020461.4 (MANE Select); coding-DNA position 324, one base duplicated (G; older notation c.324dupG).
Protein change: p.Ser109fs; shifts the reading frame from serine 109.
Molecular consequence: frameshift variant.
Genome position (GRCh38, 1-based): chr22:50,244,136, C duplicated on the plus strand (G on the coding strand, the reverse complement: TUBGCP6 is on the minus strand); the first of 4 consecutive C bases (chr22:50,244,136-50,244,139); duplicating any one gives the same sequence. VCF-style (leftmost placement, unchanged base first): chr22-50244135-A-AC. GRCh37 (hg19) VCF-style: chr22-50682564-A-AC.
Other names: short protein forms S109fs.
Identifiers: ClinVar variation 2787213 (VCV002787213.3), dbSNP rs1569129998, ClinGen allele CA914704894.
Genomic context (GRCh38, chr22:50,244,135, plus strand): 5'-TTCTCGGCAGAACTTGAGGGGGACCACTCCCTGCCAGCTGAACCAGGAGGTCCAAAACAG[A>AC]CCCCACCTCCAAAAGCGGACAGCAAGGGGCTGCTTCCAGCTCCTCCACAAGCTCCTCCAA-3'

ClinVar aggregate classification (germline): Pathogenic (1 of 4 stars; one submission).

Submission:

Labcorp Genetics (formerly Invitae), Labcorp
Classification: Pathogenic. Last evaluated: 2023-09-06. Review status: criteria provided, single submitter. Criteria: Invitae Variant Classification Sherloc (09022015). Collection method: clinical testing. Allele origin: germline.
Comment: For these reasons, this variant has been classified as Pathogenic. This variant has not been reported in the literature in individuals affected with TUBGCP6-related conditions. This variant is not present in population databases (gnomAD no frequency). This sequence change creates a premature translational stop signal (p.Ser109Valfs*27) in the TUBGCP6 gene. It is expected to result in an absent or disrupted protein product. Loss-of-function variants in TUBGCP6 are known to be pathogenic (PMID: 25344692).

Literature cited by the submitters: PubMed 25344692.